The following is an entry in ClinVar:

NM_153460.4(IL17RC):c.1397A>C (p.Lys466Thr)

Gene: IL17RC (interleukin 17 receptor C; plus strand). Cytogenetic location: 3p25.3.
Variant type: single nucleotide variant.
Coding change: c.1397A>C on transcript NM_153460.4 (MANE Select); coding-DNA position 1397, A replaced by C.
Protein change: p.Lys466Thr; replaces lysine 466 with threonine.
Molecular consequence: missense variant. On other transcripts: non-coding transcript variant (1).
Genome position (GRCh38, 1-based): chr3:9,932,617, A>C. VCF-style: chr3-9932617-A-C. GRCh37 (hg19) VCF-style: chr3-9974301-A-C.
Other names: c.1610A>C, p.Lys537Thr (NM_153461.4); c.1397A>C, p.Lys466Thr (NM_001203263.2); c.1346A>C, p.Lys449Thr (NM_001203264.2); c.1301A>C, p.Lys434Thr (NM_001203265.2, NM_001410711.1); c.1358A>C, p.Lys453Thr (NM_001367278.1); c.1277A>C, p.Lys426Thr (NM_001367279.1); c.1352A>C, p.Lys451Thr (NM_001367280.1, NM_032732.6); short protein forms K426T, K451T, K537T, K434T, K449T, K453T, K466T.
Identifiers: ClinVar variation 2884475 (VCV002884475.3), dbSNP rs2084851092, ClinGen allele CA351702628.

ClinVar aggregate classification (germline): Uncertain significance (1 of 4 stars; one submission).

Conditions:
Candidiasis, familial, 9 (CANDF9). Identifiers: Orphanet 1334, MedGen C4225324, MONDO:0014642, OMIM 616445.

Allele frequency attached by ClinVar (database versions not stated): gnomAD exomes below 0.00001.
gnomAD v4.1: 3 of 1,614,146 alleles (0.00019%); highest among the groups gnomAD compares: African/African-American, 0.0013%; no homozygotes.

Submission:

Labcorp Genetics (formerly Invitae), Labcorp
Classification: Uncertain significance for Candidiasis, familial, 9. Last evaluated: 2023-01-01. Review status: criteria provided, single submitter. Criteria: Invitae Variant Classification Sherloc (09022015). Collection method: clinical testing. Allele origin: germline.
Comment: This sequence change replaces lysine, which is basic and polar, with threonine, which is neutral and polar, at codon 537 of the IL17RC protein (p.Lys537Thr). This variant is not present in population databases (gnomAD no frequency). This variant has not been reported in the literature in individuals affected with IL17RC-related conditions. Algorithms developed to predict the effect of missense changes on protein structure and function (SIFT, PolyPhen-2, Align-GVGD) all suggest that this variant is likely to be tolerated. In summary, the available evidence is currently insufficient to determine the role of this variant in disease. Therefore, it has been classified as a Variant of Uncertain Significance.